The following is an entry in ClinVar:

ClinVar aggregate classification (germline): Uncertain significance (1 of 4 stars; one submission).

gnomAD v4.1: 1 of 1,596,918 alleles (0.000063%); highest among the groups gnomAD compares: Non-Finnish European, 0.000086%; no homozygotes.

Submission:

GeneDx
Classification: Uncertain significance. Last evaluated: 2024-07-15. Review status: criteria provided, single submitter. Criteria: GeneDx Variant Classification Process June 2021. Collection method: clinical testing. Allele origin: germline. Affected: yes.
Comment: Not observed at significant frequency in large population cohorts (gnomAD); In silico analysis supports that this missense variant has a deleterious effect on protein structure/function; Has not been previously published as pathogenic or benign to our knowledge

NM_006496.4(GNAI3):c.505C>T (p.Pro169Ser)

Gene: GNAI3 (G protein subunit alpha i3; plus strand). Cytogenetic location: 1p13.3.
Variant type: single nucleotide variant.
Coding change: c.505C>T on transcript NM_006496.4 (MANE Select); coding-DNA position 505, C replaced by T.
Protein change: p.Pro169Ser; replaces proline 169 with serine.
Molecular consequence: missense variant.
Genome position (GRCh38, 1-based): chr1:109,582,480, C>T. VCF-style: chr1-109582480-C-T. GRCh37 (hg19) VCF-style: chr1-110125102-C-T.
Other names: short protein forms P169S.
Identifiers: ClinVar variation 3573630 (VCV003573630.1).